The following is an entry in ClinVar:

NM_001130021.3(ATP6V0A1):c.1934T>C (p.Leu645Pro)

Gene: ATP6V0A1 (ATPase H+ transporting V0 subunit a1; plus strand). Cytogenetic location: 17q21.2.
Variant type: single nucleotide variant.
Coding change: c.1934T>C on transcript NM_001130021.3 (MANE Select); coding-DNA position 1934, T replaced by C.
Protein change: p.Leu645Pro; replaces leucine 645 with proline.
Molecular consequence: missense variant.
Genome position (GRCh38, 1-based): chr17:42,501,234, T>C. VCF-style: chr17-42501234-T-C. GRCh37 (hg19) VCF-style: chr17-40653252-T-C.
Other names: c.1955T>C, p.Leu652Pro (NM_001130020.3, NM_001378522.1, NM_001378523.1 and 3 more transcripts); c.2057T>C, p.Leu686Pro (NM_001378530.1, NM_001378533.1, NM_001378551.1 and 1 more transcripts); c.2078T>C, p.Leu693Pro (NM_001378531.1, NM_001378532.1); c.1934T>C, p.Leu645Pro (NM_001378535.1, NM_001378537.1, NM_001378542.1 and 3 more transcripts); c.1826T>C, p.Leu609Pro (NM_001378536.1, NM_001378550.1, NM_001378556.1); c.1805T>C, p.Leu602Pro (NM_001378538.1, NM_001378540.1); c.1775T>C, p.Leu592Pro (NM_001378543.1); c.1724T>C, p.Leu575Pro (NM_001378545.1, NM_001378554.1); and 3 more; short protein forms L574P, L602P, L609P, L645P, L563P, L575P, L686P, L585P.
Identifiers: ClinVar variation 4984242 (VCV004984242.1).

ClinVar aggregate classification (germline): Uncertain significance (1 of 4 stars; one submission).

Conditions:
ATP6V0A1-related condition.

Submission:

PreventionGenetics, part of Exact Sciences
Classification: Uncertain significance for ATP6V0A1-related condition. Last evaluated: 2026-01-11. Review status: criteria provided, single submitter. Criteria: ACMG Guidelines, 2015. Collection method: clinical testing. Allele origin: germline.
Comment: The ATP6V0A1 c.1955T>C variant is predicted to result in the amino acid substitution p.Leu652Pro. To our knowledge, this variant has not been reported in the literature or in a large population database (gnomAD), indicating this variant is rare. At this time, the clinical significance of this variant is uncertain due to the absence of conclusive functional and genetic evidence.